The following is an entry in ClinVar:

NM_172364.5(CACNA2D4):c.2870C>T (p.Pro957Leu)

Gene: CACNA2D4 (calcium voltage-gated channel auxiliary subunit alpha2delta 4; minus strand). Cytogenetic location: 12p13.33.
Variant type: single nucleotide variant.
Coding change: c.2870C>T on transcript NM_172364.5 (MANE Select); coding-DNA position 2870, C replaced by T.
Protein change: p.Pro957Leu; replaces proline 957 with leucine.
Molecular consequence: missense variant.
Genome position (GRCh38, 1-based): chr12:1,800,437, G>A on the plus strand (C>T on the coding strand, the complement: CACNA2D4 is on the minus strand). VCF-style: chr12-1800437-G-A. GRCh37 (hg19) VCF-style: chr12-1909603-G-A.
Other names: short protein forms P957L.
Identifiers: ClinVar variation 307839 (VCV000307839.11), dbSNP rs886049124, ClinGen allele CA10636949.

ClinVar aggregate classification (germline): Uncertain significance. Review status: criteria provided, multiple submitters, no conflicts (2 of 4 stars). 4 submissions from 4 submitters: Uncertain significance (4). Last evaluated 2025-01-27.

Conditions:
Retinal cone dystrophy 4 (RCD4). Identifiers: Orphanet 1872, MedGen C1864849, MONDO:0012507, OMIM 610478.
Inborn genetic diseases. Identifiers: MedGen C0950123, MeSH D030342.

Allele frequency attached by ClinVar (database versions not stated): TOPMed 0.00001; gnomAD exomes 0.00002 and below 0.00001; gnomAD 0.00001.
gnomAD v4.1: 25 of 1,613,728 alleles (0.0015%); highest among the groups gnomAD compares: Non-Finnish European, 0.0021%; no homozygotes.

Submissions (4):

Ambry Genetics
Classification: Uncertain significance for Inborn genetic diseases. Last evaluated: 2025-01-27. Review status: criteria provided, single submitter. Criteria: Ambry Variant Classification Scheme 2023. Collection method: clinical testing. Allele origin: germline.

Blueprint Genetics
Classification: Uncertain significance. Last evaluated: 2023-11-27. Review status: criteria provided, single submitter. Criteria: ACMG Guidelines, 2015. Collection method: clinical testing. Allele origin: germline.

Labcorp Genetics (formerly Invitae), Labcorp
Classification: Uncertain significance. Last evaluated: 2022-06-08. Review status: criteria provided, single submitter. Criteria: Invitae Variant Classification Sherloc (09022015). Collection method: clinical testing. Allele origin: germline.
Comment: This variant has not been reported in the literature in individuals affected with CACNA2D4-related conditions. In summary, the available evidence is currently insufficient to determine the role of this variant in disease. Therefore, it has been classified as a Variant of Uncertain Significance. Algorithms developed to predict the effect of missense changes on protein structure and function are either unavailable or do not agree on the potential impact of this missense change (SIFT: "Deleterious"; PolyPhen-2: "Probably Damaging"; Align-GVGD: "Class C0"). ClinVar contains an entry for this variant (Variation ID: 307839). This variant is present in population databases (no rsID available, gnomAD 0.0009%). This sequence change replaces proline, which is neutral and non-polar, with leucine, which is neutral and non-polar, at codon 957 of the CACNA2D4 protein (p.Pro957Leu).

Illumina Laboratory Services, Illumina
Classification: Uncertain significance for Retinal cone dystrophy 4. Last evaluated: 2018-01-13. Review status: criteria provided, single submitter. Criteria: ICSL Variant Classification Criteria 13 December 2019. Collection method: clinical testing. Allele origin: germline.